The following is an entry in ClinVar:

NM_004974.4(KCNA2):c.506C>G (p.Ser169Cys)

Gene: KCNA2 (potassium voltage-gated channel subfamily A member 2; minus strand). Cytogenetic location: 1p13.3.
Variant type: single nucleotide variant.
Coding change: c.506C>G on transcript NM_004974.4 (MANE Select); coding-DNA position 506, C replaced by G.
Protein change: p.Ser169Cys; replaces serine 169 with cysteine.
Molecular consequence: missense variant.
Genome position (GRCh38, 1-based): chr1:110,604,277, G>C on the plus strand (C>G on the coding strand, the complement: KCNA2 is on the minus strand). VCF-style: chr1-110604277-G-C. GRCh37 (hg19) VCF-style: chr1-111146899-G-C.
Other names: c.506C>G, p.Ser169Cys (NM_001204269.2); short protein forms S169C.
Identifiers: ClinVar variation 4839831 (VCV004839831.1).

ClinVar aggregate classification (germline): Uncertain significance (1 of 4 stars; one submission).

Conditions:
Inborn genetic diseases. Identifiers: MedGen C0950123, MeSH D030342.

Submission:

Ambry Genetics
Classification: Uncertain significance for Inborn genetic diseases. Last evaluated: 2026-02-09. Review status: criteria provided, single submitter. Criteria: Ambry Variant Classification Scheme 2023. Collection method: clinical testing. Allele origin: germline.
Comment: The c.506C>G (p.S169C) alteration is located in exon 3 (coding exon 1) of the KCNA2 gene. This alteration results from a C to G substitution at nucleotide position 506, causing the serine (S) at amino acid position 169 to be replaced by a cysteine (C). This variant was not reported in population-based cohorts in the Genome Aggregation Database (gnomAD). This amino acid position is highly conserved in available vertebrate species. This alteration is predicted to be deleterious by in silico analysis. Based on insufficient or conflicting evidence, the clinical significance of this alteration remains unclear.